The following is an entry in ClinVar:

NM_144631.6(ZNF513):c.278G>C (p.Arg93Pro)

Gene: ZNF513 (zinc finger protein 513; minus strand). Cytogenetic location: 2p23.3.
Variant type: single nucleotide variant.
Coding change: c.278G>C on transcript NM_144631.6 (MANE Select); coding-DNA position 278, G replaced by C.
Protein change: p.Arg93Pro; replaces arginine 93 with proline.
Molecular consequence: missense variant.
Genome position (GRCh38, 1-based): chr2:27,378,988, C>G on the plus strand (G>C on the coding strand, the complement: ZNF513 is on the minus strand). VCF-style: chr2-27378988-C-G. GRCh37 (hg19) VCF-style: chr2-27601855-C-G.
Other names: c.92G>C, p.Arg31Pro (NM_001201459.2); short protein forms R31P, R93P.
Identifiers: ClinVar variation 1046572 (VCV001046572.10), dbSNP rs746787789, ClinGen allele CA346218698.

ClinVar aggregate classification (germline): Uncertain significance. Review status: criteria provided, multiple submitters, no conflicts (2 of 4 stars). 2 submissions from 2 submitters: Uncertain significance (2). Last evaluated 2024-05-14.

gnomAD v4.1: 3 of 1,613,000 alleles (0.00019%); highest among the groups gnomAD compares: Non-Finnish European, 0.00025%; no homozygotes.

Submissions (2):

Labcorp Genetics (formerly Invitae), Labcorp
Classification: Uncertain significance. Last evaluated: 2024-05-14. Review status: criteria provided, single submitter. Criteria: Invitae Variant Classification Sherloc (09022015). Collection method: clinical testing. Allele origin: germline.
Comment: This sequence change replaces arginine, which is basic and polar, with proline, which is neutral and non-polar, at codon 93 of the ZNF513 protein (p.Arg93Pro). This variant is not present in population databases (gnomAD no frequency). This variant has not been reported in the literature in individuals affected with ZNF513-related conditions. ClinVar contains an entry for this variant (Variation ID: 1046572). An algorithm developed to predict the effect of missense changes on protein structure and function (PolyPhen-2) suggests that this variant is likely to be disruptive. In summary, the available evidence is currently insufficient to determine the role of this variant in disease. Therefore, it has been classified as a Variant of Uncertain Significance.

Blueprint Genetics
Classification: Uncertain significance. Last evaluated: 2021-03-26. Review status: criteria provided, single submitter. Criteria: ACMG Guidelines, 2015. Collection method: clinical testing. Allele origin: germline.